The following is an entry in ClinVar:

ClinVar aggregate classification (germline): Uncertain significance (1 of 4 stars; one submission).

Allele frequency attached by ClinVar (database versions not stated): ExAC 0.00001; gnomAD exomes 0.00002.
gnomAD v4.1: 25 of 1,610,022 alleles (0.0016%); highest among the groups gnomAD compares: East Asian, 0.0067%; no homozygotes.

Submission:

Labcorp Genetics (formerly Invitae), Labcorp
Classification: Uncertain significance. Last evaluated: 2022-11-22. Review status: criteria provided, single submitter. Criteria: Invitae Variant Classification Sherloc (09022015). Collection method: clinical testing. Allele origin: germline.
Comment: In summary, the available evidence is currently insufficient to determine the role of this variant in disease. Therefore, it has been classified as a Variant of Uncertain Significance. Algorithms developed to predict the effect of missense changes on protein structure and function output the following: SIFT: "Deleterious"; PolyPhen-2: "Probably Damaging"; Align-GVGD: "Class C0". The methionine amino acid residue is found in multiple mammalian species, which suggests that this missense change does not adversely affect protein function. This variant has not been reported in the literature in individuals affected with LRRK1-related conditions. The frequency data for this variant in the population databases is considered unreliable, as metrics indicate poor data quality at this position in the gnomAD database. This sequence change replaces threonine, which is neutral and polar, with methionine, which is neutral and non-polar, at codon 119 of the LRRK1 protein (p.Thr119Met).

NM_024652.6(LRRK1):c.356C>T (p.Thr119Met)

Gene: LRRK1 (leucine rich repeat kinase 1; plus strand). Cytogenetic location: 15q26.3.
Variant type: single nucleotide variant.
Coding change: c.356C>T on transcript NM_024652.6 (MANE Select); coding-DNA position 356, C replaced by T.
Protein change: p.Thr119Met; replaces threonine 119 with methionine.
Molecular consequence: missense variant.
Genome position (GRCh38, 1-based): chr15:100,983,622, C>T. VCF-style: chr15-100983622-C-T. GRCh37 (hg19) VCF-style: chr15-101523827-C-T.
Other names: short protein forms T119M.
Identifiers: ClinVar variation 1982094 (VCV001982094.4), dbSNP rs750884820, ClinGen allele CA7760543.